The following is an entry in ClinVar:

NM_023944.4(CYP4F12):c.267G>A (p.Thr89=)

Gene: CYP4F12 (cytochrome P450 family 4 subfamily F member 12; plus strand). Cytogenetic location: 19p13.12.
Variant type: single nucleotide variant.
Coding change: c.267G>A on transcript NM_023944.4 (MANE Select); coding-DNA position 267, G replaced by A.
Protein change: p.Thr89=; no amino-acid change (threonine 89 retained).
Molecular consequence: synonymous variant. On other transcripts: non-coding transcript variant (1).
Genome position (GRCh38, 1-based): chr19:15,678,329, G>A. VCF-style: chr19-15678329-G-A. GRCh37 (hg19) VCF-style: chr19-15789139-G-A.
Identifiers: ClinVar variation 5039291 (VCV005039291.1).
Genomic context (GRCh38, chr19:15,678,329, plus strand): 5'-TACAGAGGAGGGCTTGAAGAACTCGACCCAGATGTCGGCCACCTATTCCCAGGGCTTTAC[G>A]GTATGGCTGGGTCCCATCATCCCCTTCATCGTTTTATGCCACCCTGACACCATCCGGTCT-3'
Protein context (NP_076433.3, residues 79-99): QMSATYSQGF[Thr89=]VWLGPIIPFI

ClinVar aggregate classification (germline): Likely benign (1 of 4 stars; one submission).

gnomAD v4.1: 21 of 1,614,040 alleles (0.0013%); highest among the groups gnomAD compares: Middle Eastern, 0.016%; no homozygotes.

Submission:

CeGaT Center for Human Genetics Tuebingen
Classification: Likely benign. Last evaluated: 2026-07-01. Review status: criteria provided, single submitter. Criteria: CeGaT Center For Human Genetics Tuebingen Variant Classification Criteria Version 2. Collection method: clinical testing. Allele origin: germline. Affected: yes. Observed: 1 variant allele.
Comment: CYP4F12: BP4, BP7